The following is an entry in ClinVar:

NM_001365536.1(SCN9A):c.5458A>C (p.Lys1820Gln)

Genes: SCN1A-AS1 (SCN1A and SCN9A antisense RNA 1; plus strand), SCN9A (sodium voltage-gated channel alpha subunit 9; minus strand). Cytogenetic location: 2q24.3.
Variant type: single nucleotide variant.
Coding change: c.5458A>C on transcript NM_001365536.1 (MANE Select); coding-DNA position 5458, A replaced by C.
Protein change: p.Lys1820Gln; replaces lysine 1820 with glutamine.
Molecular consequence: missense variant.
Genome position (GRCh38, 1-based): chr2:166,199,181, T>G on the plus strand (A>C on the coding strand, the complement: SCN9A is on the minus strand). VCF-style: chr2-166199181-T-G. GRCh37 (hg19) VCF-style: chr2-167055691-T-G.
Other names: c.5425A>C, p.Lys1809Gln (NM_002977.4); short protein forms K1809Q, K1820Q.
Identifiers: ClinVar variation 3755977 (VCV003755977.2).

ClinVar aggregate classification (germline): Uncertain significance (1 of 4 stars; one submission).

Conditions:
Neuropathy, hereditary sensory and autonomic, type 2A (HSAN2A). Also called: MORVAN DISEASE; NEUROPATHY, CONGENITAL SENSORY; NEUROPATHY, HEREDITARY SENSORY RADICULAR, AUTOSOMAL RECESSIVE; NEUROPATHY, HEREDITARY SENSORY, TYPE IIA; NEUROPATHY, PROGRESSIVE SENSORY, OF CHILDREN; ACROOSTEOLYSIS, GIACCAI TYPE. Identifiers: Orphanet 970, MedGen C2752089, MONDO:0024309, OMIM 201300.
Generalized epilepsy with febrile seizures plus, type 7 (GEFSP7). Also called: GEFS+, TYPE 7. Identifiers: Orphanet 36387, MedGen C2751778, MONDO:0013470, OMIM 613863.

Submission:

Labcorp Genetics (formerly Invitae), Labcorp
Classification: Uncertain significance for Neuropathy, hereditary sensory and autonomic, type 2A; Generalized epilepsy with febrile seizures plus, type 7. Last evaluated: 2024-04-24. Review status: criteria provided, single submitter. Criteria: Invitae Variant Classification Sherloc (09022015). Collection method: clinical testing. Allele origin: germline.
Comment: This sequence change replaces lysine, which is basic and polar, with glutamine, which is neutral and polar, at codon 1809 of the SCN9A protein (p.Lys1809Gln). This variant is not present in population databases (gnomAD no frequency). This variant has not been reported in the literature in individuals affected with SCN9A-related conditions. Advanced modeling of protein sequence and biophysical properties (such as structural, functional, and spatial information, amino acid conservation, physicochemical variation, residue mobility, and thermodynamic stability) performed at Invitae indicates that this missense variant is not expected to disrupt SCN9A protein function with a negative predictive value of 95%. In summary, the available evidence is currently insufficient to determine the role of this variant in disease. Therefore, it has been classified as a Variant of Uncertain Significance.